The following is an entry in ClinVar:

ClinVar aggregate classification (germline): Uncertain significance. Review status: criteria provided, multiple submitters, no conflicts (2 of 4 stars). 4 submissions from 4 submitters: Uncertain significance (4). Last evaluated 2025-05-05.

Conditions:
TELO2-related intellectual disability-neurodevelopmental disorder. Also called: You-Hoover-Fong syndrome. Identifiers: Orphanet 488642, MedGen C4310778, MONDO:0014848, OMIM 616954.
Inborn genetic diseases. Identifiers: MedGen C0950123, MeSH D030342.

Allele frequency attached by ClinVar (database versions not stated): gnomAD 0.00001; TOPMed 0.00003; ExAC 0.00010.
gnomAD v4.1: 22 of 1,553,168 alleles (0.0014%); highest among the groups gnomAD compares: Admixed American, 0.042%; no homozygotes.

Submissions (4):

Labcorp Genetics (formerly Invitae), Labcorp
Classification: Uncertain significance. Last evaluated: 2025-05-05. Review status: criteria provided, single submitter. Criteria: Invitae Variant Classification Sherloc (09022015). Collection method: clinical testing. Allele origin: germline.
Comment: This sequence change falls in intron 5 of the TELO2 gene. It does not directly change the encoded amino acid sequence of the TELO2 protein. It affects a nucleotide within the consensus splice site. This variant is present in population databases (rs765881352, gnomAD 0.08%). This variant has not been reported in the literature in individuals affected with TELO2-related conditions. ClinVar contains an entry for this variant (Variation ID: 2081978). Variants that disrupt the consensus splice site are a relatively common cause of aberrant splicing (PMID: 17576681, 9536098). Algorithms developed to predict the effect of sequence changes on RNA splicing suggest that this variant may disrupt the consensus splice site. In summary, the available evidence is currently insufficient to determine the role of this variant in disease. Therefore, it has been classified as a Variant of Uncertain Significance.

3billion
Classification: Uncertain significance for TELO2-related intellectual disability-neurodevelopmental disorder. Last evaluated: 2024-11-01. Review status: criteria provided, single submitter. Criteria: ACMG Guidelines, 2015. Collection method: clinical testing. Allele origin: germline. Affected: yes.
Comment: The variant is observed at an extremely low frequency in the gnomAD v4.1.0 dataset (total allele frequency: 0.001%). Predicted Consequence/Location: Intron variant In silico tools predict the variant to alter splicing and produce an abnormal transcript [SpliceAI: 0.46 (>=0.2, moderate evidence for spliceogenicity)]. The variant has been reported as of uncertain significance (ClinVar ID: VCV002081978). Therefore, this variant is classified as VUS according to the recommendation of ACMG/AMP guideline.

GeneDx
Classification: Uncertain significance. Last evaluated: 2023-11-05. Review status: criteria provided, single submitter. Criteria: GeneDx Variant Classification Process June 2021. Collection method: clinical testing. Allele origin: germline. Affected: yes.
Comment: In silico analysis supports that this variant does not alter splicing; Has not been previously published as pathogenic or benign to our knowledge

Ambry Genetics
Classification: Uncertain significance for Inborn genetic diseases. Last evaluated: 2021-01-07. Review status: criteria provided, single submitter. Criteria: Ambry Variant Classification Scheme 2023. Collection method: clinical testing. Allele origin: germline.
Comment: The c.830+5G>T intronic alteration consists of a G to T substitution nucleotides after coding exon 4 in the TELO2 gene. Based on insufficient or conflicting evidence, the clinical significance of this alteration remains unclear.

Literature cited by the submitters: PubMed 17576681 (cited by Labcorp Genetics (formerly Invitae), Labcorp); PubMed 9536098 (cited by Labcorp Genetics (formerly Invitae), Labcorp).

NM_016111.4(TELO2):c.830+5G>T

Gene: TELO2 (telomere maintenance 2; plus strand). Cytogenetic location: 16p13.3.
Variant type: single nucleotide variant.
Coding change: c.830+5G>T on transcript NM_016111.4 (MANE Select); 5 bases into the intron after coding-DNA position 830, G replaced by T.
Molecular consequence: intron variant.
Genome position (GRCh38, 1-based): chr16:1,497,513, G>T. VCF-style: chr16-1497513-G-T. GRCh37 (hg19) VCF-style: chr16-1547514-G-T.
Other names: c.830+5G>T (NM_001351846.2).
Identifiers: ClinVar variation 2081978 (VCV002081978.5), dbSNP rs765881352, ClinGen allele CA7811800.